The following is an entry in ClinVar:

NM_001447.3(FAT2):c.1628G>T (p.Arg543Leu)

Gene: FAT2 (FAT atypical cadherin 2; minus strand). Cytogenetic location: 5q33.1.
Variant type: single nucleotide variant.
Coding change: c.1628G>T on transcript NM_001447.3 (MANE Select); coding-DNA position 1628, G replaced by T.
Protein change: p.Arg543Leu; replaces arginine 543 with leucine.
Molecular consequence: missense variant.
Genome position (GRCh38, 1-based): chr5:151,567,304, C>A on the plus strand (G>T on the coding strand, the complement: FAT2 is on the minus strand). VCF-style: chr5-151567304-C-A. GRCh37 (hg19) VCF-style: chr5-150946865-C-A.
Other names: short protein forms R543L.
Identifiers: ClinVar variation 4987712 (VCV004987712.1).

ClinVar aggregate classification (germline): Uncertain significance (1 of 4 stars; one submission).

Conditions:
FAT2-related disorder. Also called: FAT2-related condition.

gnomAD v4.1: 4 of 1,613,966 alleles (0.00025%); highest among the groups gnomAD compares: Admixed American, 0.0033%; no homozygotes.

Submission:

PreventionGenetics, part of Exact Sciences
Classification: Uncertain significance for FAT2-related condition. Last evaluated: 2026-05-06. Review status: criteria provided, single submitter. Criteria: ACMG Guidelines, 2015. Collection method: clinical testing. Allele origin: germline.
Comment: The FAT2 c.1628G>T variant is predicted to result in the amino acid substitution p.Arg543Leu. To our knowledge, this variant has not been reported in the literature. This variant is reported in 0.0058% of alleles in individuals of Latino descent in gnomAD. At this time, the clinical significance of this variant is uncertain due to the absence of conclusive functional and genetic evidence.